The following is an entry in ClinVar:

ClinVar aggregate classification (germline): Pathogenic (0 of 4 stars; one submission).

Conditions:
Arthrogryposis multiplex congenita 6. Identifiers: MedGen C5543431, MONDO:0030281, OMIM 619334.

Submission:

Istanbul Faculty of Medicine, Istanbul University
Classification: Pathogenic for Arthrogryposis multiplex congenita 6. Last evaluated: 2022-01-10. Review status: no assertion criteria provided. Collection method: clinical testing. Allele origin: germline. Affected: yes. Observed: 2 variant alleles.
Comment: Lethal multiple pterygium syndrome

NM_001164508.2(NEB):c.21936_21940del (p.Ile7312fs)

Genes: NEB (nebulin; minus strand), RIF1 (replication timing regulatory factor 1; plus strand). Cytogenetic location: 2q23.3.
Variant type: Deletion.
Coding change: c.21936_21940del on transcript NM_001164508.2 (MANE Select); coding-DNA positions 21936 to 21940, 5 bases deleted (AGAAA; older notation c.21936_21940delAGAAA).
Protein change: p.Ile7312fs; shifts the reading frame from isoleucine 7312.
Molecular consequence: frameshift variant.
Genome position (GRCh38, 1-based): chr2:151,526,923-151,526,927, TTTCT deleted on the plus strand (AGAAA on the coding strand, the reverse complement: NEB is on the minus strand). VCF-style (leftmost placement, unchanged base first): chr2-151526922-CTTTCT-C. GRCh37 (hg19) VCF-style: chr2-152383436-CTTTCT-C.
Other names: c.21936_21940del, p.Ile7312fs (NM_001164507.2); c.22041_22045del, p.Ile7347fs (NM_001271208.2); c.16833_16837del, p.Ile5611fs (NM_004543.5); c.22041_22045delAGAAA (NM_001271208.2); short protein forms I5611fs, I7312fs, I7347fs.
Identifiers: ClinVar variation 2576962 (VCV002576962.2), dbSNP rs2552123951, ClinGen allele CA2740095707.